The following is an entry in ClinVar:

NM_025132.4(WDR19):c.1944A>T (p.Glu648Asp)

Gene: WDR19 (WD repeat domain 19; plus strand). Cytogenetic location: 4p14.
Variant type: single nucleotide variant.
Coding change: c.1944A>T on transcript NM_025132.4 (MANE Select); coding-DNA position 1944, A replaced by T.
Protein change: p.Glu648Asp; replaces glutamic acid 648 with aspartic acid.
Molecular consequence: missense variant.
Genome position (GRCh38, 1-based): chr4:39,228,652, A>T. VCF-style: chr4-39228652-A-T. GRCh37 (hg19) VCF-style: chr4-39230272-A-T.
Other names: c.1464A>T, p.Glu488Asp (NM_001317924.2); short protein forms E488D, E648D.
Identifiers: ClinVar variation 1384574 (VCV001384574.6), dbSNP rs2109358945, ClinGen allele CA356633261.
Genomic context (GRCh38, chr4:39,228,652, plus strand): 5'-CAACATCTACCTTAGCACCCATGGCTTTCTCAGCAACTTAAAAGATACGGGGCCTGACGA[A>T]CTGAGACCAATGCTGGCACAGAATTTAATGCTAAAGAGGTAGGCTTTCACACACTTCTTT-3'
Protein context (NP_079408.3, residues 638-658): LSNLKDTGPD[Glu648Asp]LRPMLAQNLM

ClinVar aggregate classification (germline): Uncertain significance (1 of 4 stars; one submission).

Conditions:
Asphyxiating thoracic dystrophy 5 (SRTD5). Also called: SHORT-RIB THORACIC DYSPLASIA 5 WITH OR WITHOUT POLYDACTYLY; SHORT-RIB THORACIC DYSPLASIA 5 WITHOUT POLYDACTYLY. Identifiers: Orphanet 474, MedGen C3280598, MONDO:0013717, OMIM 614376.
Senior-Loken syndrome 8 (SLSN8). Identifiers: Orphanet 3156, MedGen C4225376, MONDO:0014579, OMIM 616307.

Submission:

Labcorp Genetics (formerly Invitae), Labcorp
Classification: Uncertain significance for Senior-Loken syndrome 8; Asphyxiating thoracic dystrophy 5. Last evaluated: 2021-10-04. Review status: criteria provided, single submitter. Criteria: Invitae Variant Classification Sherloc (09022015). Collection method: clinical testing. Allele origin: germline.
Comment: This sequence change replaces glutamic acid with aspartic acid at codon 648 of the WDR19 protein (p.Glu648Asp). The glutamic acid residue is moderately conserved and there is a small physicochemical difference between glutamic acid and aspartic acid. This variant is not present in population databases (ExAC no frequency). This variant has not been reported in the literature in individuals affected with WDR19-related conditions. Algorithms developed to predict the effect of missense changes on protein structure and function output the following: SIFT: "Tolerated"; PolyPhen-2: "Benign"; Align-GVGD: "Class C0". The aspartic acid amino acid residue is found in multiple mammalian species, which suggests that this missense change does not adversely affect protein function. In summary, the available evidence is currently insufficient to determine the role of this variant in disease. Therefore, it has been classified as a Variant of Uncertain Significance.